The following is an entry in ClinVar:

ClinVar aggregate classification (germline): Likely benign (1 of 4 stars; one submission).

Allele frequency attached by ClinVar (database versions not stated): gnomAD 0.00473; TOPMed 0.00511; 1000 Genomes Project 0.00599; 1000 Genomes Project 30x 0.00750.
gnomAD v4.1: 1,016 of 764,050 alleles (0.13%); highest among the groups gnomAD compares: African/African-American, 1.5%; 7 homozygotes.

Submission:

GeneDx
Classification: Likely benign. Last evaluated: 2021-05-24. Review status: criteria provided, single submitter. Criteria: GeneDx Variant Classification Process June 2021. Collection method: clinical testing. Allele origin: germline. Affected: yes.
Comment: See Variant Classification Assertion Criteria.

NM_170784.3(MKKS):c.1161+150T>G

Gene: MKKS (MKKS centrosomal shuttling protein; minus strand). Cytogenetic location: 20p12.2.
Variant type: single nucleotide variant.
Coding change: c.1161+150T>G on transcript NM_170784.3 (MANE Select); 150 bases into the intron after coding-DNA position 1161, T replaced by G.
Molecular consequence: intron variant.
Genome position (GRCh38, 1-based): chr20:10,408,478, A>C on the plus strand (T>G on the coding strand, the complement: MKKS is on the minus strand). VCF-style: chr20-10408478-A-C. GRCh37 (hg19) VCF-style: chr20-10389126-A-C.
Other names: c.1161+150T>G (NM_018848.3).
Identifiers: ClinVar variation 1706818 (VCV001706818.2), dbSNP rs74356748, ClinGen allele CA311320531.